The following is an entry in ClinVar:

NM_015015.3(KDM4B):c.781-3C>A

Gene: KDM4B (lysine demethylase 4B; plus strand). Cytogenetic location: 19p13.3.
Variant type: single nucleotide variant.
Coding change: c.781-3C>A on transcript NM_015015.3 (MANE Select); 3 bases into the intron before coding-DNA position 781, C replaced by A.
Molecular consequence: intron variant.
Genome position (GRCh38, 1-based): chr19:5,082,364, C>A. VCF-style: chr19-5082364-C-A. GRCh37 (hg19) VCF-style: chr19-5082375-C-A.
Other names: c.781-3C>A (NM_001370093.1, NM_001370094.1, NM_001411148.1).
Identifiers: ClinVar variation 5040267 (VCV005040267.1).

ClinVar aggregate classification (germline): Likely benign (1 of 4 stars; one submission).

gnomAD v4.1: 25 of 1,613,406 alleles (0.0015%); highest among the groups gnomAD compares: Admixed American, 0.04%; no homozygotes.

Submission:

CeGaT Center for Human Genetics Tuebingen
Classification: Likely benign. Last evaluated: 2026-07-01. Review status: criteria provided, single submitter. Criteria: CeGaT Center For Human Genetics Tuebingen Variant Classification Criteria Version 2. Collection method: clinical testing. Allele origin: germline. Affected: yes. Observed: 1 variant allele.
Comment: KDM4B: BP4